The following is an entry in ClinVar:

NM_001330195.2(NRXN3):c.2433C>A (p.His811Gln)

Gene: NRXN3 (neurexin 3; plus strand). Cytogenetic location: 14q31.1.
Variant type: single nucleotide variant.
Coding change: c.2433C>A on transcript NM_001330195.2 (MANE Select); coding-DNA position 2433, C replaced by A.
Protein change: p.His811Gln; replaces histidine 811 with glutamine.
Molecular consequence: missense variant. On other transcripts: non-coding transcript variant (4).
Genome position (GRCh38, 1-based): chr14:78,966,062, C>A. VCF-style: chr14-78966062-C-A. GRCh37 (hg19) VCF-style: chr14-79432405-C-A.
Other names: c.2433C>A, p.His811Gln (NM_001366425.1); c.2445C>A, p.His815Gln (NM_001366426.1); c.1314C>A, p.His438Gln (NM_004796.6); short protein forms H438Q, H811Q, H815Q.
Identifiers: ClinVar variation 4885816 (VCV004885816.2).

ClinVar aggregate classification (germline): Uncertain significance (1 of 4 stars; one submission).

gnomAD v4.1: 3 of 1,614,144 alleles (0.00019%); highest among the groups gnomAD compares: Non-Finnish European, 0.00017%; no homozygotes.

Submission:

Dasa
Classification: Uncertain significance. Last evaluated: 2025-11-20. Review status: criteria provided, single submitter. Criteria: DASA Assertion Criteria. Collection method: clinical testing. Allele origin: germline.
Comment: NM_001330195.2(NRXN3):c.2433C>A (p.His811Gln) is a missense variant that results in the substitution of histidine with glutamine. This variant is rare in population databases. Computational prediction algorithms are consistent with a deleterious effect. The currently available literature and clinical evidence are not sufficient to establish a definitive association between this variant and the reported condition. Therefore, this variant is classified as a variant of uncertain significance.